The following is an entry in ClinVar:

NM_004656.4(BAP1):c.122G>T (p.Gly41Val)

Gene: BAP1 (BRCA1 associated deubiquitinase 1; minus strand). Cytogenetic location: 3p21.1.
Variant type: single nucleotide variant.
Coding change: c.122G>T on transcript NM_004656.4 (MANE Select); coding-DNA position 122, G replaced by T.
Protein change: p.Gly41Val; replaces glycine 41 with valine.
Molecular consequence: missense variant.
Genome position (GRCh38, 1-based): chr3:52,409,554, C>A on the plus strand (G>T on the coding strand, the complement: BAP1 is on the minus strand). VCF-style: chr3-52409554-C-A. GRCh37 (hg19) VCF-style: chr3-52443570-C-A.
Other names: short protein forms G41V.
Identifiers: ClinVar variation 1001506 (VCV001001506.5), dbSNP rs1553646278, ClinGen allele CA353114467.

ClinVar aggregate classification (germline): Uncertain significance (1 of 4 stars; one submission).

Conditions:
BAP1-related tumor predisposition syndrome (TPDS1). Also called: BAP1 tumor predisposition syndrome; Tumor susceptibility linked to germline BAP1 mutations; COMMON Syndrome; TUMOR PREDISPOSITION SYNDROME 1. Identifiers: Orphanet 289539, MedGen C3280492, MONDO:0013692, OMIM 614327.

gnomAD v4.1: 4 of 1,614,176 alleles (0.00025%); highest among the groups gnomAD compares: Non-Finnish European, 0.00034%; no homozygotes.

Submission:

Labcorp Genetics (formerly Invitae), Labcorp
Classification: Uncertain significance for BAP1-related tumor predisposition syndrome. Last evaluated: 2020-10-20. Review status: criteria provided, single submitter. Criteria: Invitae Variant Classification Sherloc (09022015). Collection method: clinical testing. Allele origin: germline.
Comment: Algorithms developed to predict the effect of missense changes on protein structure and function are either unavailable or do not agree on the potential impact of this missense change (SIFT: "Tolerated"; PolyPhen-2: "Probably Damaging"; Align-GVGD: "Class C0"). In summary, the available evidence is currently insufficient to determine the role of this variant in disease. Therefore, it has been classified as a Variant of Uncertain Significance. Nucleotide substitutions within the consensus splice site are a relatively common cause of aberrant splicing (PMID: 17576681, 9536098). Algorithms developed to predict the effect of sequence changes on RNA splicing suggest that this variant may disrupt the consensus splice site, but this prediction has not been confirmed by published transcriptional studies. This variant has not been reported in the literature in individuals with BAP1-related conditions. This variant is not present in population databases (ExAC no frequency). This sequence change replaces glycine with valine at codon 41 of the BAP1 protein (p.Gly41Val). The glycine residue is moderately conserved and there is a moderate physicochemical difference between glycine and valine. This variant also falls at the last nucleotide of exon 3, which is part of the consensus splice site for this exon.

Literature cited by the submitters: PubMed 17576681; PubMed 9536098.